The following is an entry in ClinVar:

NM_001039660.2(IL18BP):c.534dup (p.Thr179fs)

Gene: IL18BP (interleukin 18 binding protein; plus strand). Cytogenetic location: 11q13.4.
Variant type: Duplication.
Coding change: c.534dup on transcript NM_001039660.2 (MANE Select); coding-DNA position 534, one base duplicated (C; older notation c.534dupC).
Protein change: p.Thr179fs; shifts the reading frame from threonine 179.
Molecular consequence: frameshift variant. On other transcripts: 3 prime UTR variant (1).
Genome position (GRCh38, 1-based): chr11:72,001,810, C duplicated; the last of 6 consecutive C bases (chr11:72,001,805-72,001,810); duplicating any one gives the same sequence. VCF-style (leftmost placement, unchanged base first): chr11-72001804-G-GC. GRCh37 (hg19) VCF-style: chr11-71712850-G-GC.
Other names: c.534dup, p.Thr179fs (NM_001039659.2, NM_001145057.1, NM_173042.2); c.262dup, p.His88fs (NM_001145055.1); c.*165dup (NM_005699.3); c.406dup, p.His136fs (NM_173044.3); short protein forms H136fs, H88fs, T179fs.
Identifiers: ClinVar variation 2783607 (VCV002783607.3), dbSNP rs551921888, ClinGen allele CA6166302.

ClinVar aggregate classification (germline): Uncertain significance (1 of 4 stars; one submission).

Submission:

Labcorp Genetics (formerly Invitae), Labcorp
Classification: Uncertain significance. Last evaluated: 2025-05-17. Review status: criteria provided, single submitter. Criteria: Invitae Variant Classification Sherloc (09022015). Collection method: clinical testing. Allele origin: germline.
Comment: This sequence change is expected to alter the c-terminus of the IL18BP protein (p.Thr179Hisfs*29). While this is not anticipated to result in nonsense mediated decay, it is expected to disrupt the last 16 amino acid(s) of the IL18BP protein and extend the protein by 12 additional amino acid residues. This variant is present in population databases (rs551921888, gnomAD 0.01%). This variant has not been reported in the literature in individuals affected with IL18BP-related conditions. ClinVar contains an entry for this variant (Variation ID: 2783607). Experimental studies and prediction algorithms are not available or were not evaluated, and the functional significance of this variant is currently unknown. In summary, the available evidence is currently insufficient to determine the role of this variant in disease. Therefore, it has been classified as a Variant of Uncertain Significance.